The following is an entry in ClinVar:

NM_000632.4(ITGAM):c.2364-6C>T

Gene: ITGAM (integrin subunit alpha M; plus strand). Cytogenetic location: 16p11.2.
Variant type: single nucleotide variant.
Coding change: c.2364-6C>T on transcript NM_000632.4 (MANE Select); 6 bases into the intron before coding-DNA position 2364, C replaced by T.
Molecular consequence: intron variant.
Genome position (GRCh38, 1-based): chr16:31,325,257, C>T. VCF-style: chr16-31325257-C-T. GRCh37 (hg19) VCF-style: chr16-31336578-C-T.
Other names: c.2367-6C>T (NM_001145808.2).
Identifiers: ClinVar variation 2747502 (VCV002747502.3), dbSNP rs771285197, ClinGen allele CA8025814.
Genomic context (GRCh38, chr16:31,325,257, plus strand): 5'-CTGGAGCAGGCTTGCCACAGGGAAGCCCAGCGCCCCATCCCCCGGCCTGTCTTCTTCTTC[C>T]CACAGCCTGGACTGCCTCGTGGTGGGTGGGCCCCGGGAGTTCAACGTGACAGTGACTGTG-3'

ClinVar aggregate classification (germline): Uncertain significance (1 of 4 stars; one submission).

Allele frequency attached by ClinVar (database versions not stated): TOPMed below 0.00001; gnomAD exomes 0.00001; ExAC 0.00002.
gnomAD v4.1: 11 of 1,607,844 alleles (0.00068%); highest among the groups gnomAD compares: South Asian, 0.0067%; no homozygotes.

Submission:

Labcorp Genetics (formerly Invitae), Labcorp
Classification: Uncertain significance. Last evaluated: 2022-10-16. Review status: criteria provided, single submitter. Criteria: Invitae Variant Classification Sherloc (09022015). Collection method: clinical testing. Allele origin: germline.
Comment: In summary, the available evidence is currently insufficient to determine the role of this variant in disease. Therefore, it has been classified as a Variant of Uncertain Significance. Algorithms developed to predict the effect of sequence changes on RNA splicing suggest that this variant may create or strengthen a splice site. This variant has not been reported in the literature in individuals affected with ITGAM-related conditions. This variant is present in population databases (rs771285197, gnomAD 0.007%). This sequence change falls in intron 19 of the ITGAM gene. It does not directly change the encoded amino acid sequence of the ITGAM protein.